The following is an entry in ClinVar:

NM_001267550.2(TTN):c.16574G>C (p.Ser5525Thr)

Gene: TTN (titin; minus strand). Cytogenetic location: 2q31.2.
Variant type: single nucleotide variant.
Coding change: c.16574G>C on transcript NM_001267550.2 (MANE Select); coding-DNA position 16574, G replaced by C.
Protein change: p.Ser5525Thr; replaces serine 5525 with threonine.
Molecular consequence: missense variant. On other transcripts: intron variant (3).
Genome position (GRCh38, 1-based): chr2:178,732,487, C>G on the plus strand (G>C on the coding strand, the complement: TTN is on the minus strand). VCF-style: chr2-178732487-C-G. GRCh37 (hg19) VCF-style: chr2-179597214-C-G.
Other names: c.12842G>C, p.Ser4281Thr (NM_133378.4); c.15623G>C, p.Ser5208Thr (NM_001256850.1); c.13282+5595G>C (NM_003319.4); c.13858+5595G>C (NM_133437.4); c.13657+5595G>C (NM_133432.3); short protein forms S4281T, S5525T, S5208T.
Identifiers: ClinVar variation 166211 (VCV000166211.7), dbSNP rs727503649, ClinGen allele CA178981.

ClinVar aggregate classification (germline): Conflicting classifications of pathogenicity. Review status: criteria provided, conflicting classifications (1 of 4 stars). 3 submissions from 3 submitters: Uncertain significance (1); Likely benign (2). Last evaluated 2025-04-09.

Allele frequency attached by ClinVar (database versions not stated): TOPMed below 0.00001; gnomAD 0.00001.
gnomAD v4.1: 1 of 1,613,034 alleles (0.000062%); no homozygotes.

Submissions (3):

Molecular Diagnostic Laboratory for Inherited Cardiovascular Disease, Montreal Heart Institute
Classification: Likely benign. Last evaluated: 2025-04-09. Review status: criteria provided, single submitter. Criteria: ACMG Guidelines, 2015. Collection method: clinical testing. Allele origin: germline. Affected: no.

Blueprint Genetics
Classification: Likely benign. Last evaluated: 2021-08-25. Review status: criteria provided, single submitter. Criteria: ACMG Guidelines, 2015. Collection method: clinical testing. Allele origin: germline.

Laboratory for Molecular Medicine, Mass General Brigham Personalized Medicine
Classification: Uncertain significance. Last evaluated: 2014-11-10. Review status: criteria provided, single submitter. Criteria: LMM Criteria. Collection method: clinical testing. Allele origin: germline. Observed: 1 variant allele.
Comment: The p.Ser4281Thr variant in TTN has not been previously reported in individuals with cardiomyopathy or in large population studies. Computational prediction too ls and conservation analysis suggest that this variant may not impact the protei n, though this information is not predictive enough to rule out pathogenicity. I n summary, the clinical significance of the p.Ser4281Thr variant is uncertain.